The following is an entry in ClinVar:

ClinVar aggregate classification (germline): Uncertain significance (1 of 4 stars; one submission).

Conditions:
Long QT syndrome (LQTS). Identifiers: MedGen C0023976, MeSH D008133, MONDO:0002442. Disease mechanism: loss of function. Inheritance: Various modes of inheritance.

Submission:

Labcorp Genetics (formerly Invitae), Labcorp
Classification: Uncertain significance for Long QT syndrome. Last evaluated: 2023-02-11. Review status: criteria provided, single submitter. Criteria: Invitae Variant Classification Sherloc (09022015). Collection method: clinical testing. Allele origin: germline.
Comment: This sequence change replaces aspartic acid, which is acidic and polar, with valine, which is neutral and non-polar, at codon 758 of the CACNA1C protein (p.Asp758Val). In summary, the available evidence is currently insufficient to determine the role of this variant in disease. Therefore, it has been classified as a Variant of Uncertain Significance. Advanced modeling of protein sequence and biophysical properties (such as structural, functional, and spatial information, amino acid conservation, physicochemical variation, residue mobility, and thermodynamic stability) performed at Invitae indicates that this missense variant is expected to disrupt CACNA1C protein function. This variant has not been reported in the literature in individuals affected with CACNA1C-related conditions. This variant is not present in population databases (gnomAD no frequency).

NM_000719.7(CACNA1C):c.2273A>T (p.Asp758Val)

Gene: CACNA1C (calcium voltage-gated channel subunit alpha1 C; plus strand). Cytogenetic location: 12p13.33.
Variant type: single nucleotide variant.
Coding change: c.2273A>T on transcript NM_000719.7 (MANE Select); coding-DNA position 2273, A replaced by T.
Protein change: p.Asp758Val; replaces aspartic acid 758 with valine.
Molecular consequence: missense variant.
Genome position (GRCh38, 1-based): chr12:2,584,551, A>T. VCF-style: chr12-2584551-A-T. GRCh37 (hg19) VCF-style: chr12-2693717-A-T.
Other names: c.2273A>T, p.Asp758Val (NM_001129832.2, NM_001129833.2, NM_001129834.2 and 18 more transcripts); c.2264A>T, p.Asp755Val (NM_001129844.2); short protein forms D755V, D758V.
Identifiers: ClinVar variation 2821047 (VCV002821047.3), dbSNP rs2515281830, ClinGen allele CA383371439.